The following is an entry in ClinVar:

ClinVar aggregate classification (germline): Uncertain significance (1 of 4 stars; one submission).

Submission:

Labcorp Genetics (formerly Invitae), Labcorp
Classification: Uncertain significance. Last evaluated: 2024-10-24. Review status: criteria provided, single submitter. Criteria: Invitae Variant Classification Sherloc (09022015). Collection method: clinical testing. Allele origin: germline.
Comment: This sequence change replaces cysteine, which is neutral and slightly polar, with tyrosine, which is neutral and polar, at codon 324 of the CTNNA1 protein (p.Cys324Tyr). This variant is not present in population databases (gnomAD no frequency). This variant has not been reported in the literature in individuals affected with CTNNA1-related conditions. ClinVar contains an entry for this variant (Variation ID: 2006572). Invitae Evidence Modeling of protein sequence and biophysical properties (such as structural, functional, and spatial information, amino acid conservation, physicochemical variation, residue mobility, and thermodynamic stability) indicates that this missense variant is not expected to disrupt CTNNA1 protein function with a negative predictive value of 80%. In summary, the available evidence is currently insufficient to determine the role of this variant in disease. Therefore, it has been classified as a Variant of Uncertain Significance.

NM_001903.5(CTNNA1):c.971G>A (p.Cys324Tyr)

Gene: CTNNA1 (catenin alpha 1; plus strand). Cytogenetic location: 5q31.2.
Variant type: single nucleotide variant.
Coding change: c.971G>A on transcript NM_001903.5 (MANE Select); coding-DNA position 971, G replaced by A.
Protein change: p.Cys324Tyr; replaces cysteine 324 with tyrosine.
Molecular consequence: missense variant.
Genome position (GRCh38, 1-based): chr5:138,827,627, G>A. VCF-style: chr5-138827627-G-A. GRCh37 (hg19) VCF-style: chr5-138163316-G-A.
Other names: c.971G>A, p.Cys324Tyr (NM_001290307.3, NM_001323982.2, NM_001323983.1 and 3 more transcripts); c.662G>A, p.Cys221Tyr (NM_001290309.3); c.602G>A, p.Cys201Tyr (NM_001290310.3); short protein forms C221Y, C201Y, C324Y.
Identifiers: ClinVar variation 2006572 (VCV002006572.4), dbSNP rs2149785821, ClinGen allele CA361131022.